The following is an entry in ClinVar:

NM_000883.4(IMPDH1):c.403-10C>G

Gene: IMPDH1 (inosine monophosphate dehydrogenase 1; minus strand). Cytogenetic location: 7q32.1.
Variant type: single nucleotide variant.
Coding change: c.403-10C>G on transcript NM_000883.4 (MANE Select); 10 bases into the intron before coding-DNA position 403, C replaced by G.
Molecular consequence: intron variant.
Genome position (GRCh38, 1-based): chr7:128,401,126, G>C on the plus strand (C>G on the coding strand, the complement: IMPDH1 is on the minus strand). VCF-style: chr7-128401126-G-C. GRCh37 (hg19) VCF-style: chr7-128041180-G-C.
Other names: c.196-10C>G (NM_001304521.2); c.295-10C>G (NM_183243.3); c.373-10C>G (NM_001102605.2); c.304-10C>G (NM_001142576.2); c.148-10C>G (NM_001142575.2, NM_001142574.2, NM_001142573.2).
Identifiers: ClinVar variation 2077686 (VCV002077686.4), dbSNP rs2535770129, ClinGen allele CA2580076644.
Genomic context (GRCh38, chr7:128,401,126, plus strand): 5'-GATCAGTGGCGTCTTCAGCGTGATCTTCCGGGTCAGGGCTGAGGTCAGGTCCTGAGGATG[G>C]AGGCACAGCCCACGTAAAGAGTTTATCACCCACTGGACACTCACTCACTGAGCTCCTACA-3'

ClinVar aggregate classification (germline): Uncertain significance (1 of 4 stars; one submission).

Allele frequency attached by ClinVar (database versions not stated): gnomAD exomes below 0.00001.
gnomAD v4.1: 2 of 1,604,608 alleles (0.00012%); highest among the groups gnomAD compares: South Asian, 0.0011%; no homozygotes.

Submission:

Labcorp Genetics (formerly Invitae), Labcorp
Classification: Uncertain significance. Last evaluated: 2022-09-19. Review status: criteria provided, single submitter. Criteria: Invitae Variant Classification Sherloc (09022015). Collection method: clinical testing. Allele origin: germline.
Comment: In summary, the available evidence is currently insufficient to determine the role of this variant in disease. Therefore, it has been classified as a Variant of Uncertain Significance. Algorithms developed to predict the effect of sequence changes on RNA splicing suggest that this variant may create or strengthen a splice site. This variant has not been reported in the literature in individuals affected with IMPDH1-related conditions. This variant is not present in population databases (gnomAD no frequency). This sequence change falls in intron 5 of the IMPDH1 gene. It does not directly change the encoded amino acid sequence of the IMPDH1 protein.